The following is an entry in ClinVar:

NM_001298.3(CNGA3):c.1789G>A (p.Ala597Thr)

Gene: CNGA3 (cyclic nucleotide gated channel subunit alpha 3; plus strand). Cytogenetic location: 2q11.2.
Variant type: single nucleotide variant.
Coding change: c.1789G>A on transcript NM_001298.3 (MANE Select); coding-DNA position 1789, G replaced by A.
Protein change: p.Ala597Thr; replaces alanine 597 with threonine.
Molecular consequence: missense variant.
Genome position (GRCh38, 1-based): chr2:98,396,959, G>A. VCF-style: chr2-98396959-G-A. GRCh37 (hg19) VCF-style: chr2-99013422-G-A.
Other names: c.1735G>A, p.Ala579Thr (NM_001079878.2); short protein forms A597T, A579T.
Identifiers: ClinVar variation 955485 (VCV000955485.12), dbSNP rs567567852, ClinGen allele CA52636019.

ClinVar aggregate classification (germline): Uncertain significance. Review status: criteria provided, multiple submitters, no conflicts (2 of 4 stars). 3 submissions from 3 submitters: Uncertain significance (3). Last evaluated 2024-09-04.

Conditions:
Inborn genetic diseases. Identifiers: MedGen C0950123, MeSH D030342.

Allele frequency attached by ClinVar (database versions not stated): gnomAD exomes below 0.00001; gnomAD 0.00001 and 0.00002; TOPMed 0.00001; 1000 Genomes Project 30x 0.00016; 1000 Genomes Project 0.00020.
gnomAD v4.1: 8 of 1,614,126 alleles (0.0005%); highest among the groups gnomAD compares: Admixed American, 0.012%; no homozygotes.

Submissions (3):

Ambry Genetics
Classification: Uncertain significance for Inborn genetic diseases. Last evaluated: 2024-09-04. Review status: criteria provided, single submitter. Criteria: Ambry Variant Classification Scheme 2023. Collection method: clinical testing. Allele origin: germline.

Labcorp Genetics (formerly Invitae), Labcorp
Classification: Uncertain significance. Last evaluated: 2022-02-05. Review status: criteria provided, single submitter. Criteria: Invitae Variant Classification Sherloc (09022015). Collection method: clinical testing. Allele origin: germline.
Comment: In summary, the available evidence is currently insufficient to determine the role of this variant in disease. Therefore, it has been classified as a Variant of Uncertain Significance. Advanced modeling of protein sequence and biophysical properties (such as structural, functional, and spatial information, amino acid conservation, physicochemical variation, residue mobility, and thermodynamic stability) performed at Invitae indicates that this missense variant is not expected to disrupt CNGA3 protein function. ClinVar contains an entry for this variant (Variation ID: 955485). This variant has not been reported in the literature in individuals affected with CNGA3-related conditions. This variant is not present in population databases (gnomAD no frequency). This sequence change replaces alanine, which is neutral and non-polar, with threonine, which is neutral and polar, at codon 597 of the CNGA3 protein (p.Ala597Thr).

Breakthrough Genomics
Classification: Uncertain significance. Review status: criteria provided, single submitter. Criteria: ACMG Guidelines, 2015. Collection method: not provided. Allele origin: germline. Inheritance: Autosomal recessive inheritance. Affected: yes.